The following is an entry in ClinVar:

NM_000603.5(NOS3):c.382C>T (p.Arg128Trp)

Gene: NOS3 (nitric oxide synthase 3; plus strand). Cytogenetic location: 7q36.1.
Variant type: single nucleotide variant.
Coding change: c.382C>T on transcript NM_000603.5 (MANE Select); coding-DNA position 382, C replaced by T.
Protein change: p.Arg128Trp; replaces arginine 128 with tryptophan.
Molecular consequence: missense variant.
Genome position (GRCh38, 1-based): chr7:150,996,515, C>T. VCF-style: chr7-150996515-C-T. GRCh37 (hg19) VCF-style: chr7-150693603-C-T.
Other names: c.382C>T, p.Arg128Trp (NM_001160109.2, NM_001160110.1, NM_001160111.1); short protein forms R128W.
Identifiers: ClinVar variation 2251377 (VCV002251377.7), dbSNP rs143324164, ClinGen allele CA4566584.
Genomic context (GRCh38, chr7:150,996,515, plus strand): 5'-AAACTACAGGGCCGGCCCTCCCCCGGCCCCCCGGCCCCTGAGCAGCTGCTGAGTCAGGCC[C>T]GGGACTTCATCAACCAGTACTACAGCTCCATTAAGAGGTGACAGCTTCCCGGACGCCACA-3'
Protein context (NP_000594.2, residues 118-138): PAPEQLLSQA[Arg128Trp]DFINQYYSSI

ClinVar aggregate classification (germline): Conflicting classifications of pathogenicity. Review status: criteria provided, conflicting classifications (1 of 4 stars). 3 submissions from 3 submitters: Uncertain significance (1); Likely benign (2). Last evaluated 2026-02-01.

Conditions:
NOS3-related disorder. Also called: NOS3-related condition.

Allele frequency attached by ClinVar (database versions not stated): ExAC 0.00027; ESP Exome Variant Server 0.00031; 1000 Genomes Project 0.00040; gnomAD 0.00050; 1000 Genomes Project 30x 0.00062; TOPMed 0.00063.
gnomAD v4.1: 231 of 1,607,330 alleles (0.014%); highest among the groups gnomAD compares: African/African-American, 0.15%; no homozygotes.

Submissions (3):

CeGaT Center for Human Genetics Tuebingen
Classification: Likely benign. Last evaluated: 2026-02-01. Review status: criteria provided, single submitter. Criteria: CeGaT Center For Human Genetics Tuebingen Variant Classification Criteria Version 2. Collection method: clinical testing. Allele origin: germline. Affected: yes. Observed: 1 variant allele.
Comment: NOS3: BP4

PreventionGenetics, part of Exact Sciences
Classification: Likely benign for NOS3-related condition. Last evaluated: 2026-01-13. Review status: criteria provided, single submitter. Criteria: ACMG Guidelines, 2015. Collection method: clinical testing. Allele origin: germline.
Comment: This variant is classified as likely benign based on ACMG/AMP sequence variant interpretation guidelines (Richards et al. 2015 PMID: 25741868, with internal and published modifications).

Ambry Genetics
Classification: Uncertain significance. Last evaluated: 2021-10-26. Review status: criteria provided, single submitter. Criteria: Ambry Variant Classification Scheme 2023. Collection method: clinical testing. Allele origin: germline.